The following is an entry in ClinVar:

NM_000206.3(IL2RG):c.580G>T (p.Asp194Tyr)

Gene: IL2RG (interleukin 2 receptor subunit gamma; minus strand). Cytogenetic location: Xq13.1.
Variant type: single nucleotide variant.
Coding change: c.580G>T on transcript NM_000206.3 (MANE Select); coding-DNA position 580, G replaced by T.
Protein change: p.Asp194Tyr; replaces aspartic acid 194 with tyrosine.
Molecular consequence: missense variant.
Genome position (GRCh38, 1-based): chrX:71,110,170, C>A on the plus strand (G>T on the coding strand, the complement: IL2RG is on the minus strand). VCF-style: chrX-71110170-C-A. GRCh37 (hg19) VCF-style: chrX-70330020-C-A.
Other names: short protein forms D194Y.
Identifiers: ClinVar variation 581583 (VCV000581583.8), dbSNP rs1569479981, ClinGen allele CA413496223.
Genomic context (GRCh38, chrX:71,110,170, plus strand): 5'-TACTTTCTTGGCCTTAGCTGCTACATTCACGTCCCTAGTCACTCACAGTCCAGCTGTGGT[C>A]CCAGTCAGTCCGGTACTGCACCAAGTGCTCCAAACAGTGGTTCAAGAATCTGTTGTTCCA-3'
Protein context (NP_000197.1, residues 184-204): EHLVQYRTDW[Asp194Tyr]HSWTEQSVDY

ClinVar aggregate classification (germline): Uncertain significance (1 of 4 stars; one submission).

Conditions:
X-linked severe combined immunodeficiency (SCIDX1). Also called: X-Linked Combined Immunodeficiency Diseases; IMMUNODEFICIENCY 4; SCID, X-LINKED; SEVERE COMBINED IMMUNODEFICIENCY, X-LINKED, T CELL-NEGATIVE, B CELL-POSITIVE, NK CELL-NEGATIVE; T-B+ severe combined immunodeficiency due to gamma chain deficiency. Identifiers: Orphanet 276, MedGen C6022468, MONDO:0010315, OMIM 300400. Disease mechanism: loss of function.

Submission:

Labcorp Genetics (formerly Invitae), Labcorp
Classification: Uncertain significance for X-linked severe combined immunodeficiency. Last evaluated: 2020-02-24. Review status: criteria provided, single submitter. Criteria: Invitae Variant Classification Sherloc (09022015). Collection method: clinical testing. Allele origin: germline.
Comment: This sequence change replaces aspartic acid with tyrosine at codon 194 of the IL2RG protein (p.Asp194Tyr). The aspartic acid residue is moderately conserved and there is a large physicochemical difference between aspartic acid and tyrosine. This variant is not present in population databases (ExAC no frequency). In summary, the available evidence is currently insufficient to determine the role of this variant in disease. Therefore, it has been classified as a Variant of Uncertain Significance. Algorithms developed to predict the effect of sequence changes on RNA splicing suggest that this variant may create or strengthen a splice site, but this prediction has not been confirmed by published transcriptional studies. Algorithms developed to predict the effect of missense changes on protein structure and function are either unavailable or do not agree on the potential impact of this missense change (SIFT: "Deleterious"; PolyPhen-2: "Probably Damaging"; Align-GVGD: "Class C0"). This variant has not been reported in the literature in individuals with IL2RG-related conditions.